The following is an entry in ClinVar:

NM_016373.4(WWOX):c.583G>T (p.Glu195Ter)

Gene: WWOX (WW domain containing oxidoreductase; plus strand). Cytogenetic location: 16q23.1.
Variant type: single nucleotide variant.
Coding change: c.583G>T on transcript NM_016373.4 (MANE Select); coding-DNA position 583, G replaced by T.
Protein change: p.Glu195Ter; replaces glutamic acid 195 with a stop codon.
Molecular consequence: nonsense.
Genome position (GRCh38, 1-based): chr16:78,386,926, G>T. VCF-style: chr16-78386926-G-T. GRCh37 (hg19) VCF-style: chr16-78420823-G-T.
Other names: c.244G>T, p.Glu82Ter (NM_001291997.2); short protein forms E195*, E82*.
Identifiers: ClinVar variation 568364 (VCV000568364.7), dbSNP rs1567542020, ClinGen allele CA396843961.

ClinVar aggregate classification (germline): Pathogenic/Likely pathogenic. Review status: criteria provided, multiple submitters, no conflicts (2 of 4 stars). 2 submissions from 2 submitters: Pathogenic (1); Likely pathogenic (1). Last evaluated 2018-09-12.

Conditions:
Developmental and epileptic encephalopathy, 1 (DEE1). Also called: OHTAHARA SYNDROME, X-LINKED; INFANTILE SPASM SYNDROME, X-LINKED 1; Epileptic encephalopathy, early infantile, 1; X-linked infantile spasms; West's syndrome; Tonic spasms with clustering, arrest of psychomotor development and hypsarrhythmia on EEG. Identifiers: MedGen C3463992, MONDO:0010632, OMIM 308350. Disease mechanism: loss of function.
Autosomal recessive spinocerebellar ataxia 12. Also called: SPINOCEREBELLAR ATAXIA WITH MENTAL RETARDATION AND EPILEPSY. Identifiers: Orphanet 284282, MedGen C3280452, MONDO:0013687, OMIM 614322.

Submissions (2):

GeneDx
Classification: Likely pathogenic. Last evaluated: 2018-09-12. Review status: criteria provided, single submitter. Criteria: GeneDx Variant Classification (06012015). Collection method: clinical testing. Allele origin: germline. Affected: yes.
Comment: A variant that is likely pathogenic has been identified in the WWOX gene. The E195X nonsense variant is predicted to cause loss of normal protein function either through protein truncation or nonsense-mediated mRNA decay. The E195X variant has not been published as a pathogenic variant, nor has it been reported as a benign variant to our knowledge. The E195X variant is not observed in large population cohorts (Lek et al., 2016). Therefore, this variant is likely pathogenic; however, the possibility that it is benign cannot be excluded.

Labcorp Genetics (formerly Invitae), Labcorp
Classification: Pathogenic for Developmental and epileptic encephalopathy, 1; Autosomal recessive spinocerebellar ataxia 12. Last evaluated: 2018-06-20. Review status: criteria provided, single submitter. Criteria: Invitae Variant Classification Sherloc (09022015). Collection method: clinical testing. Allele origin: germline.
Comment: For these reasons, this variant has been classified as Pathogenic. Loss-of-function variants in WWOX are known to be pathogenic (PMID: 25411445). This variant has not been reported in the literature in individuals with WWOX-related disease. This variant is not present in population databases (ExAC no frequency). This sequence change creates a premature translational stop signal (p.Glu195*) in the WWOX gene. It is expected to result in an absent or disrupted protein product.

Literature cited by the submitters: PubMed 25411445 (cited by Labcorp Genetics (formerly Invitae), Labcorp).